The following is an entry in ClinVar:

ClinVar aggregate classification (germline): Pathogenic (1 of 4 stars; one submission).

Allele frequency attached by ClinVar (database versions not stated): TOPMed below 0.00001.

Submission:

Labcorp Genetics (formerly Invitae), Labcorp
Classification: Pathogenic. Last evaluated: 2019-12-15. Review status: criteria provided, single submitter. Criteria: Invitae Variant Classification Sherloc (09022015). Collection method: clinical testing. Allele origin: germline.
Comment: For these reasons, this variant has been classified as Pathogenic. Loss-of-function variants in NTHL1 are known to be pathogenic (PMID: 25938944, 26559593). This variant has not been reported in the literature in individuals with NTHL1-related conditions. This variant is not present in population databases (ExAC no frequency). This sequence change creates a premature translational stop signal (p.Gln191*) in the NTHL1 gene. It is expected to result in an absent or disrupted protein product.

Literature cited by the submitters: PubMed 25938944; PubMed 26559593.

NM_002528.7(NTHL1):c.547C>T (p.Gln183Ter)

Gene: NTHL1 (nth like DNA glycosylase 1; minus strand). Cytogenetic location: 16p13.3.
Variant type: single nucleotide variant.
Coding change: c.547C>T on transcript NM_002528.7 (MANE Select); coding-DNA position 547, C replaced by T.
Protein change: p.Gln183Ter; replaces glutamine 183 with a stop codon.
Molecular consequence: nonsense.
Genome position (GRCh38, 1-based): chr16:2,043,705, G>A on the plus strand (C>T on the coding strand, the complement: NTHL1 is on the minus strand). VCF-style: chr16-2043705-G-A. GRCh37 (hg19) VCF-style: chr16-2093706-G-A.
Other names: c.376C>T, p.Gln126Ter (NM_001318193.2); c.217C>T, p.Gln73Ter (NM_001318194.2); short protein forms Q183*, Q73*, Q126*.
Identifiers: ClinVar variation 848942 (VCV000848942.8), dbSNP rs1385660445, ClinGen allele CA394292370.